The following is an entry in ClinVar:

NM_152381.6(XIRP2):c.7094C>T (p.Pro2365Leu)

Gene: XIRP2 (xin actin binding repeat containing 2; plus strand). Cytogenetic location: 2q24.3.
Variant type: single nucleotide variant.
Coding change: c.7094C>T on transcript NM_152381.6 (MANE Select); coding-DNA position 7094, C replaced by T.
Protein change: p.Pro2365Leu; replaces proline 2365 with leucine.
Molecular consequence: missense variant. On other transcripts: intron variant (3).
Genome position (GRCh38, 1-based): chr2:167,248,486, C>T. VCF-style: chr2-167248486-C-T. GRCh37 (hg19) VCF-style: chr2-168104996-C-T.
Other names: c.6428C>T, p.Pro2143Leu (NM_001199144.2); c.1276-5546C>T (NM_001199143.2); c.1177-5546C>T (NM_001079810.4); c.511-5546C>T (NM_001199145.2); c.7094C>T (NM_152381.5); short protein forms P2143L, P2365L.
Identifiers: ClinVar variation 2651514 (VCV002651514.25), dbSNP rs752276378, ClinGen allele CA1947548.
Genomic context (GRCh38, chr2:167,248,486, plus strand): 5'-CTCTTCCTCCACCTCCAGTAGATGAGAAATCTGAAAGAGAAAGTTCATCGATGTTTCTGC[C>T]GCCTCCTCCTCCTCCAACTCCATCTCAAAAGCCAGCACATCTCCTTTCCTCCTCTGCTCC-3'
Protein context (NP_689594.4, residues 2355-2375): SERESSSMFL[Pro2365Leu]PPPPPTPSQK

ClinVar aggregate classification (germline): Conflicting classifications of pathogenicity. Review status: criteria provided, conflicting classifications (1 of 4 stars). 2 submissions from 2 submitters: Uncertain significance (1); Likely benign (1). Last evaluated 2025-08-01.

Allele frequency attached by ClinVar (database versions not stated): ExAC 0.00001; gnomAD exomes 0.00001; TOPMed 0.00004.
gnomAD v4.1: 12 of 1,613,608 alleles (0.00074%); highest among the groups gnomAD compares: Middle Eastern, 0.017%; no homozygotes.

Submissions (2):

Ambry Genetics
Classification: Uncertain significance. Last evaluated: 2025-08-01. Review status: criteria provided, single submitter. Criteria: Ambry Variant Classification Scheme 2023. Collection method: clinical testing. Allele origin: germline.

CeGaT Center for Human Genetics Tuebingen
Classification: Likely benign. Last evaluated: 2023-10-01. Review status: criteria provided, single submitter. Criteria: CeGaT Center For Human Genetics Tuebingen Variant Classification Criteria Version 2. Collection method: clinical testing. Allele origin: germline. Affected: yes. Observed: 1 variant allele.
Comment: XIRP2: BP4